The following is an entry in ClinVar:

ClinVar aggregate classification (germline): Uncertain significance. Review status: criteria provided, multiple submitters, no conflicts (2 of 4 stars). 2 submissions from 2 submitters: Uncertain significance (2). Last evaluated 2026-05-06.

Conditions:
Inborn genetic diseases. Identifiers: MedGen C0950123, MeSH D030342.
Malignant hyperthermia, susceptibility to, 1 (MHS1). Also called: Anesthesia related hyperthermia; Malignant hyperpyrexia; Fulminating hyperpyrexia; Pharmacogenic myopathy; RYR1-Related Malignant Hyperthermia Susceptibility; Malignant hyperthermia suceptibility 1. Identifiers: Orphanet 423, MedGen C2930980, MONDO:0007783, OMIM 145600.

Submissions (2):

Ambry Genetics
Classification: Uncertain significance for Inborn genetic diseases. Last evaluated: 2026-05-06. Review status: criteria provided, single submitter. Criteria: Ambry Variant Classification Scheme 2023. Collection method: clinical testing. Allele origin: germline.

All of Us Research Program, National Institutes of Health
Classification: Uncertain significance for Malignant hyperthermia, susceptibility to, 1. Last evaluated: 2024-06-09. Review status: criteria provided, single submitter. Criteria: ACMG Guidelines, 2015. Collection method: clinical testing. Allele origin: germline. Inheritance: Autosomal dominant inheritance. Observed: 1 variant allele, 1 heterozygote.
Comment: This missense variant replaces isoleucine with valine at codon 758 of the RYR1 protein. Computational prediction suggests that this variant may not impact protein structure and function (internally defined REVEL score threshold <= 0.5, PMID: 27666373). To our knowledge, functional studies have not been reported for this variant. This variant has not been reported in individuals affected with RYR1-related disorders in the literature. This variant has not been identified in the general population by the Genome Aggregation Database (gnomAD). The available evidence is insufficient to determine the role of this variant in disease conclusively. Therefore, this variant is classified as a Variant of Uncertain Significance.

This study involves interpretation of variants in research participants for the purpose of population health screening. Participant phenotype was not available at the time of variant classification. Additional details can be found in publication PMID: 35346344, PMCID: PMC8962531

NM_000540.3(RYR1):c.2272A>G (p.Ile758Val)

Gene: RYR1 (ryanodine receptor 1; plus strand). Cytogenetic location: 19q13.2.
Variant type: single nucleotide variant.
Coding change: c.2272A>G on transcript NM_000540.3 (MANE Select); coding-DNA position 2272, A replaced by G.
Protein change: p.Ile758Val; replaces isoleucine 758 with valine.
Molecular consequence: missense variant.
Genome position (GRCh38, 1-based): chr19:38,459,250, A>G. VCF-style: chr19-38459250-A-G. GRCh37 (hg19) VCF-style: chr19-38949890-A-G.
Other names: c.2272A>G, p.Ile758Val (NM_001042723.2); short protein forms I758V.
Identifiers: ClinVar variation 3387665 (VCV003387665.2).
Genomic context (GRCh38, chr19:38,459,250, plus strand): 5'-GCCCCTGAAGACGTGATCAGCTGCTGCCTGGACCTCAGCGTGCCGTCCATCTCCTTCCGC[A>G]TCAACGGCTGCCCCGTGCAGGGTGTCTTTGAGTCCTTCAACCTGGACGGGCTCTTCTTCC-3'
Protein context (NP_000531.2, residues 748-768): DLSVPSISFR[Ile758Val]NGCPVQGVFE